The following is an entry in ClinVar:

NM_001267550.2(TTN):c.102174G>C (p.Arg34058Ser)

Genes: TTN (titin; minus strand), TTN-AS1 (TTN antisense RNA 1; plus strand). Cytogenetic location: 2q31.2.
Variant type: single nucleotide variant.
Coding change: c.102174G>C on transcript NM_001267550.2 (MANE Select); coding-DNA position 102174, G replaced by C.
Protein change: p.Arg34058Ser; replaces arginine 34058 with serine.
Molecular consequence: missense variant.
Genome position (GRCh38, 1-based): chr2:178,534,441, C>G on the plus strand (G>C on the coding strand, the complement: TTN is on the minus strand). VCF-style: chr2-178534441-C-G. GRCh37 (hg19) VCF-style: chr2-179399168-C-G.
Other names: c.97251G>C, p.Arg32417Ser (NM_001256850.1); c.74979G>C, p.Arg24993Ser (NM_003319.4); c.94470G>C, p.Arg31490Ser (NM_133378.4); c.75354G>C, p.Arg25118Ser (NM_133432.3); c.75555G>C, p.Arg25185Ser (NM_133437.4); short protein forms R24993S, R25118S, R25185S, R31490S, R32417S, R34058S.
Identifiers: ClinVar variation 3762543 (VCV003762543.2).

ClinVar aggregate classification (germline): Uncertain significance (1 of 4 stars; one submission).

Conditions:
Autosomal recessive limb-girdle muscular dystrophy type 2J (LGMDR10). Also called: Limb-girdle muscular dystrophy, type 2J; MUSCULAR DYSTROPHY, LIMB-GIRDLE, AUTOSOMAL RECESSIVE 10. Identifiers: Orphanet 140922, MedGen C1837342, MONDO:0012127, OMIM 608807.
Dilated cardiomyopathy 1G (CMD1G). Identifiers: Orphanet 154, MedGen C1858763, MONDO:0011400, OMIM 604145.

Submission:

Labcorp Genetics (formerly Invitae), Labcorp
Classification: Uncertain significance for Dilated cardiomyopathy 1G; Autosomal recessive limb-girdle muscular dystrophy type 2J. Last evaluated: 2024-11-11. Review status: criteria provided, single submitter. Criteria: Invitae Variant Classification Sherloc (09022015). Collection method: clinical testing. Allele origin: germline.
Comment: This sequence change replaces arginine, which is basic and polar, with serine, which is neutral and polar, at codon 34058 of the TTN protein (p.Arg34058Ser). This variant is not present in population databases (gnomAD no frequency). This variant has not been reported in the literature in individuals affected with TTN-related conditions. Experimental studies and prediction algorithms are not available or were not evaluated, and the functional significance of this variant is currently unknown. This variant is located in the M band of TTN (PMID: 25589632). Non-truncating variants in this region may be relevant for neuromuscular disorders, but have not been definitively shown to cause cardiomyopathy (PMID: 23975875). In summary, the available evidence is currently insufficient to determine the role of this variant in disease. Therefore, it has been classified as a Variant of Uncertain Significance.

Literature cited by the submitters: PubMed 25589632; PubMed 23975875.